The following is an entry in ClinVar:

NM_000744.7(CHRNA4):c.1523_1525dup (p.Gly508dup)

Gene: CHRNA4 (cholinergic receptor nicotinic alpha 4 subunit; minus strand). Cytogenetic location: 20q13.33.
Variant type: Duplication.
Coding change: c.1523_1525dup on transcript NM_000744.7 (MANE Select); coding-DNA positions 1523 to 1525, 3 bases duplicated (GCG; older notation c.1523_1525dupGCG).
Protein change: p.Gly508dup; duplicates glycine 508.
Molecular consequence: inframe insertion. On other transcripts: non-coding transcript variant (1).
Genome position (GRCh38, 1-based): chr20:63,349,886-63,349,888, CGC duplicated on the plus strand (GCG on the coding strand, the reverse complement: CHRNA4 is on the minus strand); duplicating any 3 consecutive bases within chr20:63,349,886-63,349,890 gives the same sequence; the c. name uses the placement nearest the transcript's 3' end. VCF-style (leftmost placement, unchanged base first): chr20-63349885-G-GCGC. GRCh37 (hg19) VCF-style: chr20-61981237-G-GCGC.
Other names: c.995_997dup, p.Gly332dup (NM_001256573.2).
Identifiers: ClinVar variation 1058902 (VCV001058902.10), dbSNP rs2068557278, ClinGen allele CA2374742628.
Genomic context (GRCh38, chr20:63,349,885, plus strand): 5'-CACGGAGAGGGCTGGTCTGGGGGTGGGAGCTCAGCCGAGTGGGTGTTGCGAGAGGCCAGG[G>GCGC]CGCCGGCAGCCTGGCCATCTGCCTCGGGGGCGGCATCGTCTCGGGGAACACAGTACTGGA-3'

ClinVar aggregate classification (germline): Uncertain significance. Review status: criteria provided, multiple submitters, no conflicts (2 of 4 stars). 2 submissions from 2 submitters: Uncertain significance (2). Last evaluated 2024-12-07.

Conditions:
Familial sleep-related hypermotor epilepsy. Also called: Autosomal Dominant Sleep-Related Hypermotor (Hyperkinetic) Epilepsy. Identifiers: Orphanet 98784, MedGen C3696898, MONDO:0000030.

Submissions (2):

Labcorp Genetics (formerly Invitae), Labcorp
Classification: Uncertain significance. Last evaluated: 2024-12-07. Review status: criteria provided, single submitter. Criteria: Invitae Variant Classification Sherloc (09022015). Collection method: clinical testing. Allele origin: germline.
Comment: This variant, c.1523_1525dup, results in the insertion of 1 amino acid(s) of the CHRNA4 protein (p.Gly508dup), but otherwise preserves the integrity of the reading frame. This variant is not present in population databases (gnomAD no frequency). This variant has not been reported in the literature in individuals affected with CHRNA4-related conditions. ClinVar contains an entry for this variant (Variation ID: 1058902). Experimental studies and prediction algorithms are not available or were not evaluated, and the functional significance of this variant is currently unknown. In summary, the available evidence is currently insufficient to determine the role of this variant in disease. Therefore, it has been classified as a Variant of Uncertain Significance.

GeneDx
Classification: Uncertain significance. Last evaluated: 2019-09-06. Review status: criteria provided, single submitter. Criteria: GeneDx Variant Classification Process June 2021. Collection method: clinical testing. Allele origin: germline. Affected: yes.
Comment: Not observed in large population cohorts (Lek et al., 2016); In-frame insertion of 1 amino acid in a non-repeat region; Has not been previously published as pathogenic or benign to our knowledge